The following is an entry in ClinVar:

NM_005566.4(LDHA):c.*720C>G

Gene: LDHA (lactate dehydrogenase A; plus strand). Cytogenetic location: 11p15.1.
Variant type: single nucleotide variant.
Coding change: c.*720C>G on transcript NM_005566.4 (MANE Select); 720 bases downstream of the stop codon, C replaced by G.
Molecular consequence: 3 prime UTR variant. On other transcripts: non-coding transcript variant (1).
Genome position (GRCh38, 1-based): chr11:18,408,001, C>G. VCF-style: chr11-18408001-C-G. GRCh37 (hg19) VCF-style: chr11-18429548-C-G.
Other names: c.*720C>G (NM_001135239.2, NM_001165414.2); c.*625C>G (NM_001165415.2); c.*869C>G (NM_001165416.2).
Identifiers: ClinVar variation 303929 (VCV000303929.6), dbSNP rs3758683, ClinGen allele CA5911502.
Genomic context (GRCh38, chr11:18,408,001, plus strand): 5'-CTGCAACGATTTTTTCTAACAGGGATATTATTGACTAATAGCAGAGGATGTAATAGTCAA[C>G]TGAGTTGTATTGGTACCACTTCCATTGTAAGTCCCAAAGTATTATATATTTGATAATAAT-3'

ClinVar aggregate classification (germline): Benign. Review status: criteria provided, multiple submitters, no conflicts (2 of 4 stars). 2 submissions from 2 submitters: Benign (2). Last evaluated 2018-01-13.

Conditions:
Glycogen storage disease due to lactate dehydrogenase M-subunit deficiency (GSD11). Also called: GSD XI; LACTATE DEHYDROGENASE A DEFICIENCY; Glycogen storage disease XI. Identifiers: Orphanet 284426, MedGen C2931743, MONDO:0013047, OMIM 612933.

Allele frequency attached by ClinVar (database versions not stated): 1000 Genomes Project 0.49800; ExAC 0.54821; gnomAD exomes 0.54965 and 0.54731; TOPMed 0.46486; 1000 Genomes Project 30x 0.48907; gnomAD 0.48049 and 0.48716.
gnomAD v4.1: 239,868 of 453,814 alleles (53%); highest among the groups gnomAD compares: South Asian, 59%; 65,694 homozygotes.

Submissions (2):

Illumina Laboratory Services, Illumina
Classification: Benign for Glycogen storage disease due to lactate dehydrogenase M-subunit deficiency. Last evaluated: 2018-01-13. Review status: criteria provided, single submitter. Criteria: ICSL Variant Classification Criteria 13 December 2019. Collection method: clinical testing. Allele origin: germline.
Comment: This variant was observed in the ICSL laboratory as part of a predisposition screen in an ostensibly healthy population. It had not been previously curated by ICSL or reported in the Human Gene Mutation Database (HGMD: prior to June 1st, 2018), and was therefore a candidate for classification through an automated scoring system. Utilizing variant allele frequency, disease prevalence and penetrance estimates, and inheritance mode, an automated score was calculated to assess if this variant is too frequent to cause the disease. Based on the score and internal cut-off values, a variant classified as benign is not then subjected to further curation. The score for this variant resulted in a classification of benign for this disease.

Breakthrough Genomics
Classification: Benign. Review status: criteria provided, single submitter. Criteria: ACMG Guidelines, 2015. Collection method: not provided. Allele origin: germline. Inheritance: Autosomal recessive inheritance. Affected: yes.